The following is an entry in ClinVar:

ClinVar aggregate classification (germline): Uncertain significance (1 of 4 stars; one submission).

Submission:

Women's Health and Genetics/Laboratory Corporation of America, LabCorp
Classification: Uncertain significance. Last evaluated: 2024-04-25. Review status: criteria provided, single submitter. Criteria: LabCorp Variant Classification Summary - May 2015. Collection method: clinical testing. Allele origin: germline.
Comment: Variant summary: PAH c.500_504delinsGCTAT (p.Asn167Ser) results in a conservative amino acid change located in the Aromatic amino acid hydroxylase, C-terminal (IPR019774) of the encoded protein sequence. Three of five in-silico tools predict a benign effect of the variant on protein function. The variant was absent in 1613450 control chromosomes. The available data on variant occurrences in the general population are insufficient to allow any conclusion about variant significance. To our knowledge, no occurrence of c.500_504delinsGCTAT in individuals affected with Phenylalanine Hydroxylase Deficiency (Phenylketonuria) and no experimental evidence demonstrating its impact on protein function have been reported. A different variant with an identical protein effect (c.500A>G p.Asn167Ser) has been observed at a high frequency in gnomAD and has been submitted to ClinVar (Variant ID: 102703) as Likely Benign/Benign by 4 laboratories and as VUS by 2 laboratories. No submitters have cited clinical-significance assessments for c.500_504delinsGCTAT to ClinVar. Based on the evidence outlined above, the variant was classified as uncertain significance.

NM_000277.3(PAH):c.500_504delinsGCTAT (p.Asn167Ser)

Gene: PAH (phenylalanine hydroxylase; minus strand). Cytogenetic location: 12q23.2.
Variant type: Indel.
Coding change: c.500_504delinsGCTAT on transcript NM_000277.3 (MANE Select); coding-DNA positions 500 to 504, ACTAC replaced by GCTAT.
Protein change: p.Asn167Ser; replaces asparagine 167 with serine.
Molecular consequence: missense variant.
Genome position (GRCh38, 1-based): chr12:102,866,601-102,866,605, GTAGT replaced by ATAGC on the plus strand (ACTAC replaced by GCTAT on the coding strand, the reverse complement: PAH is on the minus strand). VCF-style: chr12-102866601-GTAGT-ATAGC. GRCh37 (hg19) VCF-style: chr12-103260379-GTAGT-ATAGC.
Other names: c.500_504delinsGCTAT, p.Asn167Ser (NM_001354304.2); short protein forms N167S.
Identifiers: ClinVar variation 3251706 (VCV003251706.1), dbSNP rs2499636842.